The following is an entry in ClinVar:

NM_001370259.2(MEN1):c.1341del (p.Phe447fs)

Gene: MEN1 (menin 1; minus strand). Cytogenetic location: 11q13.1.
Variant type: Deletion.
Coding change: c.1341del on transcript NM_001370259.2 (MANE Select); coding-DNA position 1341, one base deleted (T; older notation c.1341delT).
Protein change: p.Phe447fs; shifts the reading frame from phenylalanine 447.
Molecular consequence: frameshift variant.
Genome position (GRCh38, 1-based): chr11:64,805,043, A deleted on the plus strand (T on the coding strand, the reverse complement: MEN1 is on the minus strand); the first of 4 consecutive A bases (chr11:64,805,043-64,805,046); deleting any one gives the same sequence. VCF-style (leftmost placement, unchanged base first): chr11-64805042-CA-C. GRCh37 (hg19) VCF-style: chr11-64572514-CA-C.
Other names: c.1341delT (NM_130799.2); c.1341del, p.Phe447fs (NM_001370260.2, NM_001370261.2, NM_130799.3); c.1236del, p.Phe412fs (NM_001370262.2, NM_001370263.2); c.1356del, p.Phe452fs (NM_130800.3, NM_130801.3, NM_130802.3 and 3 more transcripts); c.1467del, p.Phe489fs (NM_001370251.2); short protein forms F447fs, F452fs, F412fs, F489fs.
Identifiers: ClinVar variation 201000 (VCV000201000.2), dbSNP rs794728643, ClinGen allele CA009142.
Genomic context (GRCh38, chr11:64,805,042, plus strand): 5'-TGGCTGCTGTCACCACCTGTAGTGCCCAGACCTCTGTGCAGCTGTCCCTCACCTGTCCCT[CA>C]AAACGGCCTAGGGACTGCACAAGAAAGGTGGCCCAGCCCACATGCAGCACAGGCGTGGGA-3'

ClinVar aggregate classification (germline): Pathogenic (1 of 4 stars; one submission).

Submission:

GeneDx
Classification: Pathogenic. Last evaluated: 2014-07-24. Review status: criteria provided, single submitter. Criteria: GeneDx Variant Classification (06012015). Collection method: clinical testing. Allele origin: germline. Affected: yes.
Comment: The c.1341delT mutation in the MEN1 gene causes a frameshift starting with codon Phenylalanine 447, changes this amino acid to a Leucine residue and creates a premature Stop codon at position 11 of the new reading frame, denoted p.Phe447LeufsX11. The normal sequence with the base that is deleted in braces is: GTTT{T}GAGG. This mutation is predicted to cause loss of normal protein function through protein truncation as the last 164 amino acids are replaced with 10 aberrant amino acids. Another deletion at this same position (c.1340_1341delTT) has been reported, using alternative nomenclature, in association with multiple endocrine neoplasia type 1 (Wautot et al., 2002), supporting the functional importance of this region of the protein. Although this particular mutation has not been previously reported to our knowledge, its presence is consistent with a diagnosis of multiple endocrine neoplasia type 1. The variant is found in MEN1 panel(s).